The following is an entry in ClinVar:

NM_001084.5(PLOD3):c.2113A>G (p.Lys705Glu)

Gene: PLOD3 (procollagen-lysine,2-oxoglutarate 5-dioxygenase 3; minus strand). Cytogenetic location: 7q22.1.
Variant type: single nucleotide variant.
Coding change: c.2113A>G on transcript NM_001084.5 (MANE Select); coding-DNA position 2113, A replaced by G.
Protein change: p.Lys705Glu; replaces lysine 705 with glutamic acid.
Molecular consequence: missense variant.
Genome position (GRCh38, 1-based): chr7:101,206,385, T>C on the plus strand (A>G on the coding strand, the complement: PLOD3 is on the minus strand). VCF-style: chr7-101206385-T-C. GRCh37 (hg19) VCF-style: chr7-100849666-T-C.
Other names: short protein forms K705E.
Identifiers: ClinVar variation 1431274 (VCV001431274.8), dbSNP rs1798083934, ClinGen allele CA368607748.

ClinVar aggregate classification (germline): Uncertain significance (1 of 4 stars; one submission).

Allele frequency attached by ClinVar (database versions not stated): TOPMed below 0.00001; gnomAD exomes 0.00001.

Submission:

Labcorp Genetics (formerly Invitae), Labcorp
Classification: Uncertain significance. Last evaluated: 2022-04-13. Review status: criteria provided, single submitter. Criteria: Invitae Variant Classification Sherloc (09022015). Collection method: clinical testing. Allele origin: germline.
Comment: This sequence change replaces lysine, which is basic and polar, with glutamic acid, which is acidic and polar, at codon 705 of the PLOD3 protein (p.Lys705Glu). In summary, the available evidence is currently insufficient to determine the role of this variant in disease. Therefore, it has been classified as a Variant of Uncertain Significance. Algorithms developed to predict the effect of missense changes on protein structure and function are either unavailable or do not agree on the potential impact of this missense change (SIFT: "Tolerated"; PolyPhen-2: "Possibly Damaging"; Align-GVGD: "Class C0"). This variant has not been reported in the literature in individuals affected with PLOD3-related conditions. This variant is not present in population databases (gnomAD no frequency).